The following is an entry in ClinVar:

NM_016327.3(UPB1):c.539C>T (p.Thr180Ile)

Gene: UPB1 (beta-ureidopropionase 1; plus strand). Cytogenetic location: 22q11.23.
Variant type: single nucleotide variant.
Coding change: c.539C>T on transcript NM_016327.3 (MANE Select); coding-DNA position 539, C replaced by T.
Protein change: p.Thr180Ile; replaces threonine 180 with isoleucine.
Molecular consequence: missense variant.
Genome position (GRCh38, 1-based): chr22:24,513,403, C>T. VCF-style: chr22-24513403-C-T. GRCh37 (hg19) VCF-style: chr22-24909371-C-T.
Other names: short protein forms T180I.
Identifiers: ClinVar variation 1899688 (VCV001899688.3), dbSNP rs371866039, ClinGen allele CA10153261.

ClinVar aggregate classification (germline): Uncertain significance. Review status: criteria provided, multiple submitters, no conflicts (2 of 4 stars). 2 submissions from 2 submitters: Uncertain significance (2). Last evaluated 2022-08-19.

Conditions:
Inborn genetic diseases. Identifiers: MedGen C0950123, MeSH D030342.

Allele frequency attached by ClinVar (database versions not stated): gnomAD exomes 0.00002; ExAC 0.00003; TOPMed 0.00003; gnomAD 0.00004; ESP Exome Variant Server 0.00008.
gnomAD v4.1: 37 of 1,614,080 alleles (0.0023%); highest among the groups gnomAD compares: Admixed American, 0.0067%; no homozygotes.

Submissions (2):

Labcorp Genetics (formerly Invitae), Labcorp
Classification: Uncertain significance. Last evaluated: 2022-08-19. Review status: criteria provided, single submitter. Criteria: Invitae Variant Classification Sherloc (09022015). Collection method: clinical testing. Allele origin: germline.
Comment: This sequence change replaces threonine, which is neutral and polar, with isoleucine, which is neutral and non-polar, at codon 180 of the UPB1 protein (p.Thr180Ile). This variant is present in population databases (rs371866039, gnomAD 0.007%). This variant has not been reported in the literature in individuals affected with UPB1-related conditions. Algorithms developed to predict the effect of missense changes on protein structure and function are either unavailable or do not agree on the potential impact of this missense change (SIFT: "Deleterious"; PolyPhen-2: "Probably Damaging"; Align-GVGD: "Class C15"). In summary, the available evidence is currently insufficient to determine the role of this variant in disease. Therefore, it has been classified as a Variant of Uncertain Significance.

Ambry Genetics
Classification: Uncertain significance for Inborn genetic diseases. Last evaluated: 2021-07-06. Review status: criteria provided, single submitter. Criteria: Ambry Variant Classification Scheme 2023. Collection method: clinical testing. Allele origin: germline.